The following is an entry in ClinVar:

ClinVar aggregate classification (germline): Uncertain significance (1 of 4 stars; one submission).

Submission:

GeneDx
Classification: Uncertain significance. Last evaluated: 2024-06-06. Review status: criteria provided, single submitter. Criteria: GeneDx Variant Classification Process June 2021. Collection method: clinical testing. Allele origin: germline. Affected: yes.
Comment: Not observed at significant frequency in large population cohorts (gnomAD); In silico analysis indicates that this missense variant does not alter protein structure/function; Has not been previously published as pathogenic or benign to our knowledge

NM_006593.4(TBR1):c.326A>G (p.Gln109Arg)

Gene: TBR1 (T-box brain transcription factor 1; plus strand). Cytogenetic location: 2q24.2.
Variant type: single nucleotide variant.
Coding change: c.326A>G on transcript NM_006593.4 (MANE Select); coding-DNA position 326, A replaced by G.
Protein change: p.Gln109Arg; replaces glutamine 109 with arginine.
Molecular consequence: missense variant.
Genome position (GRCh38, 1-based): chr2:161,416,736, A>G. VCF-style: chr2-161416736-A-G. GRCh37 (hg19) VCF-style: chr2-162273247-A-G.
Other names: short protein forms Q109R.
Identifiers: ClinVar variation 3384456 (VCV003384456.1).